The following is an entry in ClinVar:

NM_018419.3(SOX18):c.130GCGCCCGCC[3] (p.Ala49_Ser50insAlaProAla)

Genes: SOX18 (SRY-box transcription factor 18; minus strand), LOC130066420 (ATAC-STARR-seq lymphoblastoid silent region 13204; plus strand). Cytogenetic location: 20q13.33.
Variant type: Microsatellite.
Coding change: c.130GCGCCCGCC[3] on transcript NM_018419.3 (MANE Select); three copies in a row of the 9-base unit GCGCCCGCC starting at c.130; the reference has two copies in a row; one copy, 9 bases duplicated.
Protein change: p.Ala49_Ser50insAlaProAla.
Molecular consequence: inframe insertion.
Genome position (GRCh38, 1-based): chr20:64,049,370-64,049,378, GGCGGGCGC duplicated on the plus strand (GCGCCCGCC on the coding strand, the reverse complement: SOX18 is on the minus strand); duplicating any 9 consecutive bases within chr20:64,049,370-64,049,391 gives the same sequence; the position shown is the placement nearest the transcript's 3' end. VCF-style (leftmost placement, unchanged base first): chr20-64049369-A-AGGCGGGCGC. GRCh37 (hg19) VCF-style: chr20-62680722-A-AGGCGGGCGC.
Other names: c.139_147dup9 (NM_018419.2).
Identifiers: ClinVar variation 4749533 (VCV004749533.2).

ClinVar aggregate classification (germline): Uncertain significance. Review status: criteria provided, multiple submitters, no conflicts (2 of 4 stars). 2 submissions from 2 submitters: Uncertain significance (2). Last evaluated 2025-12-22.

Conditions:
SOX18-related disorder. Also called: SOX18-related condition.

Submissions (2):

Labcorp Genetics (formerly Invitae), Labcorp
Classification: Uncertain significance. Last evaluated: 2025-12-22. Review status: criteria provided, single submitter. Criteria: Invitae Variant Classification Sherloc (09022015). Collection method: clinical testing. Allele origin: germline.
Comment: This variant, c.139_147dup, results in the insertion of 3 amino acid(s) of the SOX18 protein (p.Ala47_Ala49dup), but otherwise preserves the integrity of the reading frame. The frequency data for this variant in the population databases is considered unreliable, as metrics indicate poor data quality at this position in the gnomAD database. This variant has not been reported in the literature in individuals affected with SOX18-related conditions. Experimental studies and prediction algorithms are not available or were not evaluated, and the functional significance of this variant is currently unknown. In summary, the available evidence is currently insufficient to determine the role of this variant in disease. Therefore, it has been classified as a Variant of Uncertain Significance.

PreventionGenetics, part of Exact Sciences
Classification: Uncertain significance for SOX18-related condition. Last evaluated: 2024-12-02. Review status: criteria provided, single submitter. Criteria: ACMG Guidelines, 2015. Collection method: clinical testing. Allele origin: germline.
Comment: The SOX18 c.139_147dup9 variant is predicted to result in an in-frame duplication (p.Ala47_Ala49dup). To our knowledge, this variant has not been reported in the literature. This variant is reported in 0.038% of alleles in individuals of European (Non-Finnish) descent in gnomAD. At this time, the clinical significance of this variant is uncertain due to the absence of conclusive functional and genetic evidence.